The following is an entry in ClinVar:

NM_080860.4(RSPH1):c.563T>G (p.Leu188Ter)

Gene: RSPH1 (radial spoke head component 1; minus strand). Cytogenetic location: 21q22.3.
Variant type: single nucleotide variant.
Coding change: c.563T>G on transcript NM_080860.4 (MANE Select); coding-DNA position 563, T replaced by G.
Protein change: p.Leu188Ter; replaces leucine 188 with a stop codon.
Molecular consequence: nonsense.
Genome position (GRCh38, 1-based): chr21:42,482,647, A>C on the plus strand (T>G on the coding strand, the complement: RSPH1 is on the minus strand). VCF-style: chr21-42482647-A-C. GRCh37 (hg19) VCF-style: chr21-43902757-A-C.
Other names: c.449T>G, p.Leu150Ter (NM_001286506.2); short protein forms L188*, L150*.
Identifiers: ClinVar variation 165057 (VCV000165057.9), dbSNP rs727503394, ClinGen allele CA177720.

ClinVar aggregate classification (germline): Pathogenic/Likely pathogenic. Review status: criteria provided, multiple submitters, no conflicts (2 of 4 stars). 3 submissions from 3 submitters: Pathogenic (2); Likely pathogenic (1). Last evaluated 2023-09-01.

Conditions:
Primary ciliary dyskinesia 24 (CILD24). Also called: CILIARY DYSKINESIA, PRIMARY, 24, WITHOUT SITUS INVERSUS. Identifiers: Orphanet 244, MedGen C3809634, MONDO:0014202, OMIM 615481.
Primary ciliary dyskinesia. Also called: Ciliary dyskinesia. Identifiers: Orphanet 244, MedGen C0008780, MONDO:0016575, HP:0012265.

Allele frequency attached by ClinVar (database versions not stated): gnomAD exomes below 0.00001 and 0.00001; ExAC 0.00001.
gnomAD v4.1: 4 of 1,611,782 alleles (0.00025%); highest among the groups gnomAD compares: Admixed American, 0.0017%; no homozygotes.

Submissions (3):

Labcorp Genetics (formerly Invitae), Labcorp
Classification: Pathogenic for Primary ciliary dyskinesia. Last evaluated: 2023-09-01. Review status: criteria provided, single submitter. Criteria: Invitae Variant Classification Sherloc (09022015). Collection method: clinical testing. Allele origin: germline.
Comment: This variant has not been reported in the literature in individuals affected with RSPH1-related conditions. This sequence change creates a premature translational stop signal (p.Leu188*) in the RSPH1 gene. It is expected to result in an absent or disrupted protein product. Loss-of-function variants in RSPH1 are known to be pathogenic (PMID: 23993197). This variant is present in population databases (rs727503394, gnomAD 0.003%). ClinVar contains an entry for this variant (Variation ID: 165057). For these reasons, this variant has been classified as Pathogenic.

Baylor Genetics
Classification: Pathogenic for Primary ciliary dyskinesia 24. Last evaluated: 2018-07-16. Review status: criteria provided, single submitter. Criteria: ACMG Guidelines, 2015. Collection method: clinical testing. Allele origin: maternal. Affected: yes.
Comment: This variant was determined to be pathogenic according to ACMG Guidelines, 2015 [PMID:25741868].

Laboratory for Molecular Medicine, Mass General Brigham Personalized Medicine
Classification: Likely pathogenic for Primary ciliary dyskinesia. Last evaluated: 2014-07-31. Review status: criteria provided, single submitter. Criteria: LMM Criteria. Collection method: clinical testing. Allele origin: germline. Observed: 1 variant allele.
Comment: The Leu188X variant has not been reported in the literature or in large populati on studies. This nonsense variant leads to a premature termination codon at posi tion 188, which is predicted to lead to a truncated or absent protein. Nonsense and other loss of function variants in RSPH1 have been reported in individuals w ith autosomal recessive primary ciliary dyskinesia (Kott 2013). In summary, this variant is likely pathogenic, though additional studies are required to fully e stablish its clinical significance.

Literature cited by the submitters: PubMed 23993197 (cited by Labcorp Genetics (formerly Invitae), Labcorp).